The following is an entry in ClinVar:

NM_152743.4(BRAT1):c.55C>T (p.Pro19Ser)

Gene: BRAT1 (BRCA1 associated ATM activator 1; minus strand). Cytogenetic location: 7p22.3.
Variant type: single nucleotide variant.
Coding change: c.55C>T on transcript NM_152743.4 (MANE Select); coding-DNA position 55, C replaced by T.
Protein change: p.Pro19Ser; replaces proline 19 with serine.
Molecular consequence: missense variant. On other transcripts: 5 prime UTR variant (1), non-coding transcript variant (1).
Genome position (GRCh38, 1-based): chr7:2,554,377, G>A on the plus strand (C>T on the coding strand, the complement: BRAT1 is on the minus strand). VCF-style: chr7-2554377-G-A. GRCh37 (hg19) VCF-style: chr7-2594011-G-A.
Other names: c.55C>T, p.Pro19Ser (NM_001350626.2); c.-323C>T (NM_001350627.2); short protein forms P19S.
Identifiers: ClinVar variation 1350877 (VCV001350877.6), dbSNP rs373874434, ClinGen allele CA4128331.

ClinVar aggregate classification (germline): Uncertain significance (1 of 4 stars; one submission).

Conditions:
Neonatal-onset encephalopathy with rigidity and seizures. Also called: Lethal neonatal spasticity-epileptic encephalopathy syndrome. Identifiers: Orphanet 435845, MedGen C3281029, MONDO:0013784, OMIM 614498.

Allele frequency attached by ClinVar (database versions not stated): gnomAD exomes 0.00001 and 0.00002; ESP Exome Variant Server 0.00008; TOPMed below 0.00001; ExAC 0.00001.
gnomAD v4.1: 24 of 1,614,048 alleles (0.0015%); highest among the groups gnomAD compares: Non-Finnish European, 0.0019%; no homozygotes.

Submission:

Labcorp Genetics (formerly Invitae), Labcorp
Classification: Uncertain significance for Neonatal-onset encephalopathy with rigidity and seizures. Last evaluated: 2022-07-15. Review status: criteria provided, single submitter. Criteria: Invitae Variant Classification Sherloc (09022015). Collection method: clinical testing. Allele origin: germline.
Comment: This sequence change replaces proline, which is neutral and non-polar, with serine, which is neutral and polar, at codon 19 of the BRAT1 protein (p.Pro19Ser). This variant is present in population databases (rs373874434, gnomAD 0.0009%). This variant has not been reported in the literature in individuals affected with BRAT1-related conditions. ClinVar contains an entry for this variant (Variation ID: 1350877). Algorithms developed to predict the effect of missense changes on protein structure and function are either unavailable or do not agree on the potential impact of this missense change (SIFT: "Tolerated"; PolyPhen-2: "Possibly Damaging"; Align-GVGD: "Class C0"). In summary, the available evidence is currently insufficient to determine the role of this variant in disease. Therefore, it has been classified as a Variant of Uncertain Significance.